The following is an entry in ClinVar:

NM_006031.6(PCNT):c.8260A>G (p.Thr2754Ala)

Gene: PCNT (pericentrin; plus strand). Cytogenetic location: 21q22.3.
Variant type: single nucleotide variant.
Coding change: c.8260A>G on transcript NM_006031.6 (MANE Select); coding-DNA position 8260, A replaced by G.
Protein change: p.Thr2754Ala; replaces threonine 2754 with alanine.
Molecular consequence: missense variant.
Genome position (GRCh38, 1-based): chr21:46,431,724, A>G. VCF-style: chr21-46431724-A-G. GRCh37 (hg19) VCF-style: chr21-47851638-A-G.
Other names: c.8260A>G (NM_006031.5); c.7906A>G, p.Thr2636Ala (NM_001315529.2); short protein forms T2636A, T2754A.
Identifiers: ClinVar variation 2059442 (VCV002059442.6), dbSNP rs140749927, ClinGen allele CA10080924.
Genomic context (GRCh38, chr21:46,431,724, plus strand): 5'-GCTCAGGAGCGGAGCCAGCTCTCTGAGCTCCAGAAGGACCTTGCGGCTGAGAAGAGCCGC[A>G]CCCTGGAGCTGTCAGAGGCCTTGCGGCACGAGCGGCTCCTGACCGAGCAGCTGAGCCAGA-3'
Protein context (NP_006022.3, residues 2744-2764): QKDLAAEKSR[Thr2754Ala]LELSEALRHE

ClinVar aggregate classification (germline): Uncertain significance. Review status: criteria provided, multiple submitters, no conflicts (2 of 4 stars). 3 submissions from 3 submitters: Uncertain significance (3). Last evaluated 2026-01-16.

Conditions:
PCNT-related disorder. Also called: PCNT-related condition.
Inborn genetic diseases. Identifiers: MedGen C0950123, MeSH D030342.

Allele frequency attached by ClinVar (database versions not stated): ExAC 0.00011; ESP Exome Variant Server 0.00031; gnomAD 0.00031; TOPMed 0.00038; 1000 Genomes Project 0.00060; 1000 Genomes Project 30x 0.00062.
gnomAD v4.1: 92 of 1,612,080 alleles (0.0057%); highest among the groups gnomAD compares: African/African-American, 0.11%; no homozygotes.

Submissions (3):

PreventionGenetics, part of Exact Sciences
Classification: Uncertain significance for PCNT-related condition. Last evaluated: 2026-01-16. Review status: criteria provided, single submitter. Criteria: ACMG Guidelines, 2015. Collection method: clinical testing. Allele origin: germline.
Comment: The PCNT c.8260A>G variant is predicted to result in the amino acid substitution p.Thr2754Ala. To our knowledge, this variant has not been reported in the literature. This variant is reported in 0.11% of alleles in individuals of African descent in gnomAD, which is likely too common to be an undocumented pathogenic variant. Although we suspect that this variant may be benign, at this time, the clinical significance of this variant is uncertain due to the absence of conclusive functional and genetic evidence.

Ambry Genetics
Classification: Uncertain significance for Inborn genetic diseases. Last evaluated: 2025-08-25. Review status: criteria provided, single submitter. Criteria: Ambry Variant Classification Scheme 2023. Collection method: clinical testing. Allele origin: germline.

Labcorp Genetics (formerly Invitae), Labcorp
Classification: Uncertain significance. Last evaluated: 2022-06-17. Review status: criteria provided, single submitter. Criteria: Invitae Variant Classification Sherloc (09022015). Collection method: clinical testing. Allele origin: germline.
Comment: This sequence change replaces threonine, which is neutral and polar, with alanine, which is neutral and non-polar, at codon 2754 of the PCNT protein (p.Thr2754Ala). This variant is present in population databases (rs140749927, gnomAD 0.1%). This variant has not been reported in the literature in individuals affected with PCNT-related conditions. Algorithms developed to predict the effect of missense changes on protein structure and function output the following: SIFT: "Deleterious"; PolyPhen-2: "Possibly Damaging"; Align-GVGD: "Class C0". The alanine amino acid residue is found in multiple mammalian species, which suggests that this missense change does not adversely affect protein function. In summary, the available evidence is currently insufficient to determine the role of this variant in disease. Therefore, it has been classified as a Variant of Uncertain Significance.